The following is an entry in ClinVar:

ClinVar aggregate classification (germline): Uncertain significance. Review status: criteria provided, multiple submitters, no conflicts (2 of 4 stars). 2 submissions from 2 submitters: Uncertain significance (2). Last evaluated 2025-03-28.

Conditions:
Hereditary cancer-predisposing syndrome. Also called: Neoplastic Syndromes, Hereditary; Hereditary Cancer Syndrome; Tumor predisposition; Hereditary neoplastic syndrome. Identifiers: Orphanet 140162, MedGen C0027672, MeSH D009386, MONDO:0015356.
Neurofibromatosis, type 2 (SWNV). Also called: BILATERAL ACOUSTIC NEUROFIBROMATOSIS; NF2-Related Schwannomatosis; SCHWANNOMATOSIS, VESTIBULAR. Identifiers: Orphanet 637, MedGen C0027832, MONDO:0007039, OMIM 101000. Disease mechanism: loss of function.

Allele frequency attached by ClinVar (database versions not stated): gnomAD exomes below 0.00001.
gnomAD v4.1: 1 of 1,614,176 alleles (0.000062%); highest among the groups gnomAD compares: South Asian, 0.0011%; no homozygotes.

Submissions (2):

Labcorp Genetics (formerly Invitae), Labcorp
Classification: Uncertain significance for Neurofibromatosis, type 2. Last evaluated: 2025-03-28. Review status: criteria provided, single submitter. Criteria: Invitae Variant Classification Sherloc (09022015). Collection method: clinical testing. Allele origin: germline.
Comment: This sequence change replaces leucine, which is neutral and non-polar, with proline, which is neutral and non-polar, at codon 109 of the NF2 protein (p.Leu109Pro). This variant is not present in population databases (gnomAD no frequency). This variant has not been reported in the literature in individuals affected with NF2-related conditions. ClinVar contains an entry for this variant (Variation ID: 639691). Invitae Evidence Modeling of protein sequence and biophysical properties (such as structural, functional, and spatial information, amino acid conservation, physicochemical variation, residue mobility, and thermodynamic stability) indicates that this missense variant is expected to disrupt NF2 protein function with a positive predictive value of 80%. In summary, the available evidence is currently insufficient to determine the role of this variant in disease. Therefore, it has been classified as a Variant of Uncertain Significance.

Ambry Genetics
Classification: Uncertain significance for Hereditary cancer-predisposing syndrome. Last evaluated: 2024-09-01. Review status: criteria provided, single submitter. Criteria: Ambry Variant Classification Scheme 2023. Collection method: clinical testing. Allele origin: germline.
Comment: The p.L109P variant (also known as c.326T>C), located in coding exon 3 of the NF2 gene, results from a T to C substitution at nucleotide position 326. The leucine at codon 109 is replaced by proline, an amino acid with similar properties. This amino acid position is conserved. In addition, this alteration is predicted to be deleterious by in silico analysis. Based on the available evidence, the clinical significance of this variant remains unclear.

NM_000268.4(NF2):c.326T>C (p.Leu109Pro)

Gene: NF2 (NF2, moesin-ezrin-radixin like (MERLIN) tumor suppressor; plus strand). Cytogenetic location: 22q12.2.
Variant type: single nucleotide variant.
Coding change: c.326T>C on transcript NM_000268.4 (MANE Select); coding-DNA position 326, T replaced by C.
Protein change: p.Leu109Pro; replaces leucine 109 with proline.
Molecular consequence: missense variant. On other transcripts: non-coding transcript variant (1), intron variant (3).
Genome position (GRCh38, 1-based): chr22:29,639,175, T>C. VCF-style: chr22-29639175-T-C. GRCh37 (hg19) VCF-style: chr22-30035164-T-C.
Other names: c.326T>C, p.Leu109Pro (NM_016418.5, NM_181825.3, NM_181832.3 and 1 more transcripts); c.200T>C, p.Leu67Pro (NM_181828.3); c.240+2299T>C (NM_181829.3); c.115-3027T>C (NM_181830.3, NM_181831.3); short protein forms L109P, L67P.
Identifiers: ClinVar variation 639691 (VCV000639691.10), dbSNP rs1601583740, ClinGen allele CA411153316.